The following is an entry in ClinVar:

NM_152564.5(VPS13B):c.2404A>G (p.Arg802Gly)

Gene: VPS13B (vacuolar protein sorting 13 homolog B; plus strand). Cytogenetic location: 8q22.2.
Variant type: single nucleotide variant.
Coding change: c.2404A>G on transcript NM_152564.5 (MANE Select); coding-DNA position 2404, A replaced by G.
Protein change: p.Arg802Gly; replaces arginine 802 with glycine.
Molecular consequence: missense variant.
Genome position (GRCh38, 1-based): chr8:99,192,946, A>G. VCF-style: chr8-99192946-A-G. GRCh37 (hg19) VCF-style: chr8-100205174-A-G.
Other names: c.2404A>G (NM_017890.3); c.2404A>G, p.Arg802Gly (NM_015243.3, NM_017890.5); short protein forms R802G.
Identifiers: ClinVar variation 2043321 (VCV002043321.2), dbSNP rs1312204061, ClinGen allele CA371861601.
Genomic context (GRCh38, chr8:99,192,946, plus strand): 5'-TCTCAGATTGCTATAACTGAAGGTATATTTGAACTTCCAAATCTCACAATTCAAGCTACA[A>G]GAGCACAGACACTTCTCTTGCAAGCAATATATCAAAGTTGGTCTCATCTTGGAAATGTCA-3'
Protein context (NP_689777.3, residues 792-812): ELPNLTIQAT[Arg802Gly]AQTLLLQAIY

ClinVar aggregate classification (germline): Uncertain significance. Review status: criteria provided, multiple submitters, no conflicts (2 of 4 stars). 2 submissions from 2 submitters: Uncertain significance (2). Last evaluated 2023-11-03.

Conditions:
Inborn genetic diseases. Identifiers: MedGen C0950123, MeSH D030342.
Cohen syndrome (COH1). Also called: PEPPER SYNDROME; Cutis verticis gyrata, retinitis pigmentosa, and sensorineural deafness. Identifiers: Orphanet 193, MedGen C0265223, MONDO:0008999, OMIM 216550.

Allele frequency attached by ClinVar (database versions not stated): gnomAD exomes below 0.00001.
gnomAD v4.1: 3 of 1,613,740 alleles (0.00019%); highest among the groups gnomAD compares: Admixed American, 0.0017%; no homozygotes.

Submissions (2):

Ambry Genetics
Classification: Uncertain significance for Inborn genetic diseases. Last evaluated: 2023-11-03. Review status: criteria provided, single submitter. Criteria: Ambry Variant Classification Scheme 2023. Collection method: clinical testing. Allele origin: germline.

Labcorp Genetics (formerly Invitae), Labcorp
Classification: Uncertain significance for Cohen syndrome. Last evaluated: 2022-08-09. Review status: criteria provided, single submitter. Criteria: Invitae Variant Classification Sherloc (09022015). Collection method: clinical testing. Allele origin: germline.
Comment: This sequence change replaces arginine, which is basic and polar, with glycine, which is neutral and non-polar, at codon 802 of the VPS13B protein (p.Arg802Gly). This variant is present in population databases (no rsID available, gnomAD 0.003%). This variant has not been reported in the literature in individuals affected with VPS13B-related conditions. Algorithms developed to predict the effect of missense changes on protein structure and function are either unavailable or do not agree on the potential impact of this missense change (SIFT: "Not Available"; PolyPhen-2: "Possibly Damaging"; Align-GVGD: "Not Available"). In summary, the available evidence is currently insufficient to determine the role of this variant in disease. Therefore, it has been classified as a Variant of Uncertain Significance.